The following is an entry in ClinVar:

NM_001042517.2(DIAPH3):c.2201A>C (p.Tyr734Ser)

Gene: DIAPH3 (diaphanous related formin 3; minus strand). Cytogenetic location: 13q21.2.
Variant type: single nucleotide variant.
Coding change: c.2201A>C on transcript NM_001042517.2 (MANE Select); coding-DNA position 2201, A replaced by C.
Protein change: p.Tyr734Ser; replaces tyrosine 734 with serine.
Molecular consequence: missense variant.
Genome position (GRCh38, 1-based): chr13:59,916,219, T>G on the plus strand (A>C on the coding strand, the complement: DIAPH3 is on the minus strand). VCF-style: chr13-59916219-T-G. GRCh37 (hg19) VCF-style: chr13-60490353-T-G.
Other names: c.2168A>C, p.Tyr723Ser (NM_001258366.2); c.2063A>C, p.Tyr688Ser (NM_001258367.2); c.1991A>C, p.Tyr664Ser (NM_001258368.2); c.2201A>C, p.Tyr734Ser (NM_001258369.2); c.1412A>C, p.Tyr471Ser (NM_001258370.2, NM_030932.4); short protein forms Y664S, Y471S, Y723S, Y734S, Y688S.
Identifiers: ClinVar variation 1384933 (VCV001384933.8), dbSNP rs749502845, ClinGen allele CA6996445.

ClinVar aggregate classification (germline): Uncertain significance (1 of 4 stars; one submission).

Allele frequency attached by ClinVar (database versions not stated): gnomAD 0.00003.
gnomAD v4.1: 5 of 1,613,116 alleles (0.00031%); highest among the groups gnomAD compares: Admixed American, 0.0067%; no homozygotes.

Submission:

Labcorp Genetics (formerly Invitae), Labcorp
Classification: Uncertain significance. Last evaluated: 2024-06-08. Review status: criteria provided, single submitter. Criteria: Invitae Variant Classification Sherloc (09022015). Collection method: clinical testing. Allele origin: germline.
Comment: This sequence change replaces tyrosine, which is neutral and polar, with serine, which is neutral and polar, at codon 734 of the DIAPH3 protein (p.Tyr734Ser). This variant is present in population databases (rs749502845, gnomAD no frequency). This variant has not been reported in the literature in individuals affected with DIAPH3-related conditions. ClinVar contains an entry for this variant (Variation ID: 1384933). An algorithm developed to predict the effect of missense changes on protein structure and function (PolyPhen-2) suggests that this variant is likely to be disruptive. In summary, the available evidence is currently insufficient to determine the role of this variant in disease. Therefore, it has been classified as a Variant of Uncertain Significance.